The following is an entry in ClinVar:

NM_000458.4(HNF1B):c.473C>A (p.Thr158Asn)

Gene: HNF1B (HNF1 homeobox B; minus strand). Cytogenetic location: 17q12.
Variant type: single nucleotide variant.
Coding change: c.473C>A on transcript NM_000458.4 (MANE Select); coding-DNA position 473, C replaced by A.
Protein change: p.Thr158Asn; replaces threonine 158 with asparagine.
Molecular consequence: missense variant.
Genome position (GRCh38, 1-based): chr17:37,739,511, G>T on the plus strand (C>A on the coding strand, the complement: HNF1B is on the minus strand). VCF-style: chr17-37739511-G-T. GRCh37 (hg19) VCF-style: chr17-36099502-G-T.
Other names: c.473C>A, p.Thr158Asn (NM_001165923.4, NM_001304286.2); short protein forms T158N.
Identifiers: ClinVar variation 586800 (VCV000586800.2), dbSNP rs1568670646, ClinGen allele CA398751323.
Genomic context (GRCh38, chr17:37,739,511, plus strand): 5'-TCTCGTTGCTTTCTGACGTACCAGGTGTACAGAGCGGCACGCTTCTGGGTCTTCATAGGG[G>T]TGCCCTTGTTGAGATGCTGGGAGAGGTGCGACTGGTTCAGGCCGGTGACATCGACCACCT-3'
Protein context (NP_000449.1, residues 148-168): SHLSQHLNKG[Thr158Asn]PMKTQKRAAL

ClinVar aggregate classification (germline): Uncertain significance. Review status: criteria provided, multiple submitters, no conflicts (2 of 4 stars). 2 submissions from 2 submitters: Uncertain significance (2). Last evaluated 2018-02-12.

Conditions:
Renal cysts and diabetes syndrome (RCAD). Also called: Familial hypoplastic, glomerulocystic kidney; MATURITY-ONSET DIABETES OF THE YOUNG, TYPE 5. Identifiers: Orphanet 93111, MedGen C0431693, MONDO:0007669, OMIM 137920.

Submissions (2):

Athena Diagnostics
Classification: Uncertain significance. Last evaluated: 2018-02-12. Review status: criteria provided, single submitter. Criteria: Athena Diagnostics Criteria. Collection method: clinical testing. Allele origin: germline.

3billion
Classification: Uncertain significance for Renal cysts and diabetes syndrome. Review status: criteria provided, single submitter. Criteria: ACMG Guidelines, 2015. Collection method: clinical testing. Allele origin: unknown. Affected: yes. Observed: 1 heterozygote.
Comment: The variant is not observed in the gnomAD v2.1.1 dataset. In silico tool predictions suggest damaging effect of the variant on gene or gene product (REVEL: 0.89; 3Cnet: 0.98). Same nucleotide change resulting in same amino acid change has been previously reported to be associated with HNF1B related disorder (PMID: 33305128). However, the evidence of pathogenicity is insufficient at this time. Therefore, this variant is classified as Uncertain significance according to the recommendation of ACMG/AMP guideline.

Literature cited by the submitters: PubMed 33305128 (cited by 3billion).